The following is an entry in ClinVar:

ClinVar aggregate classification (germline): Pathogenic (3 of 4 stars; one submission).

Conditions:
Creatine transporter deficiency (CCDS1). Also called: Mental retardation , X-linked with seizures, short stature and midface hypoplasia; Mental retardation , X-linked, with creatine transport deficiency; X-linked creatine transporter deficiency; X-linked creatine deficiency syndrome; SLC6A8-Related Creatine Transporter Deficiency; CREATINE TRANSPORTER DEFECT. Identifiers: Orphanet 52503, MedGen C1845862, MONDO:0010305, OMIM 300352.

Submission:

ClinGen Cerebral Creatine Deficiency Syndromes Variant Curation Expert Panel, ClinGen
Classification: Pathogenic for Creatine transporter deficiency. Last evaluated: 2026-09-15. Review status: reviewed by expert panel. Criteria: ClinGen CCDS ACMG Specifications SLC6A8 V2.1. Collection method: curation. Allele origin: germline. Inheritance: X-linked inheritance.
Comment: The NM_005629.4:c.291_292insAGGG (p.Ala98ArgfsTer92) variant in SLC6A8 is a frameshift variant that is predicted to cause a premature stop codon in biologically-relevant-exon 3 our of a total of 13 exons, leading to nonsense mediated decay in a gene in which loss-of-function is an established disease mechanism (PVS1). The variant is absent in gnomAD v4.1.0. (PM2_Supporting). In summary, this variant meets the criteria to be classified as pathogenic for X-linked creatine transporter deficiency. SLC6A8-specification criteria met, as specified by the ClinGen Cerebral Creatine Deficiency Syndromes Variant Curation Expert Panel (Specifications Version 2.1.0): PVS1, PP4_Moderate, PM2_Supporting (Classification approved by the ClinGen Cerebral Creatine Deficiency Syndromes Variant Curation Expert Panel on September 15, 2026)

NM_005629.4(SLC6A8):c.291_292insAGGG (p.Ala98fs)

Gene: SLC6A8 (solute carrier family 6 member 8; plus strand). Cytogenetic location: Xq28.
Variant type: Insertion.
Coding change: c.291_292insAGGG on transcript NM_005629.4 (MANE Select); coding-DNA positions 291 to 292, AGGG inserted.
Protein change: p.Ala98fs; shifts the reading frame from alanine 98.
Molecular consequence: frameshift variant. On other transcripts: 5 prime UTR variant (1).
Genome position: GRCh38 VCF-style: chrX-153690403-C-CAGGG. GRCh37 (hg19) VCF-style: chrX-152955858-C-CAGGG.
Other names: NM_001142805.2:c.291_292insAGGG; c.291_292insAGGG, p.Ala98fs (NM_001142805.2); c.-55_-54insAGGG (NM_001142806.1); short protein forms A98fs.
Identifiers: ClinVar variation 5016673 (VCV005016673.1).
Genomic context (GRCh38, chrX:153,690,403, plus strand): 5'-ACCCTGAGTCCACGCTGTGCCTCCACCCCCAGGTGTGTTCCTTATTCCCTACGTCCTGAT[C>CAGGG]GCCCTGGTTGGAGGAATCCCCATTTTCTTCTTAGAGATCTCGCTGGGCCAGTTCATGAAG-3'